The following is an entry in ClinVar:

NM_004963.4(GUCY2C):c.254C>T (p.Ser85Leu)

Genes: GUCY2C (guanylate cyclase 2C; minus strand), GUCY2C-AS1 (GUCY2C antisense RNA 1; plus strand). Cytogenetic location: 12p12.3.
Variant type: single nucleotide variant.
Coding change: c.254C>T on transcript NM_004963.4 (MANE Select); coding-DNA position 254, C replaced by T.
Protein change: p.Ser85Leu; replaces serine 85 with leucine.
Molecular consequence: missense variant.
Genome position (GRCh38, 1-based): chr12:14,688,027, G>A on the plus strand (C>T on the coding strand, the complement: GUCY2C is on the minus strand). VCF-style: chr12-14688027-G-A. GRCh37 (hg19) VCF-style: chr12-14840961-G-A.
Other names: short protein forms S85L.
Identifiers: ClinVar variation 3627642 (VCV003627642.2).
Genomic context (GRCh38, chr12:14,688,027, plus strand): 5'-AGGTCGAGGCCTTCACAGGTGCTACTCCGGCAGTCGCCTGAGTTATGAATCAGACCATCC[G>A]AATACATGAAAGTAGCGTTCACAGTCACATTTAGGCCTGTCGCCCAGAGATGAGGGAAAA-3'
Protein context (NP_004954.2, residues 75-95): NVTVNATFMY[Ser85Leu]DGLIHNSGDC

ClinVar aggregate classification (germline): Uncertain significance (1 of 4 stars; one submission).

gnomAD v4.1: 3 of 1,613,670 alleles (0.00019%); highest among the groups gnomAD compares: East Asian, 0.0022%; no homozygotes.

Submission:

Labcorp Genetics (formerly Invitae), Labcorp
Classification: Uncertain significance. Last evaluated: 2024-09-29. Review status: criteria provided, single submitter. Criteria: Invitae Variant Classification Sherloc (09022015). Collection method: clinical testing. Allele origin: germline.
Comment: This sequence change replaces serine, which is neutral and polar, with leucine, which is neutral and non-polar, at codon 85 of the GUCY2C protein (p.Ser85Leu). This variant is not present in population databases (gnomAD no frequency). This variant has not been reported in the literature in individuals affected with GUCY2C-related conditions. An algorithm developed to predict the effect of missense changes on protein structure and function (PolyPhen-2) suggests that this variant is likely to be tolerated. In summary, the available evidence is currently insufficient to determine the role of this variant in disease. Therefore, it has been classified as a Variant of Uncertain Significance.